The following is an entry in ClinVar:

NM_000175.5(GPI):c.247C>T (p.Arg83Trp)

Gene: GPI (glucose-6-phosphate isomerase; plus strand). Cytogenetic location: 19q13.11.
Variant type: single nucleotide variant.
Coding change: c.247C>T on transcript NM_000175.5 (MANE Select); coding-DNA position 247, C replaced by T.
Protein change: p.Arg83Trp; replaces arginine 83 with tryptophan.
Molecular consequence: missense variant.
Genome position (GRCh38, 1-based): chr19:34,366,816, C>T. VCF-style: chr19-34366816-C-T. GRCh37 (hg19) VCF-style: chr19-34857721-C-T.
Other names: p.Arg83Trp; c.364C>T, p.Arg122Trp (NM_001184722.1, NM_001289789.1); c.247C>T, p.Arg83Trp (NM_001289790.3, NM_001329909.1, NM_001329910.1 and 1 more transcripts); c.247C>T (NM_000175.4); short protein forms R83W, R122W.
Identifiers: ClinVar variation 1034746 (VCV001034746.12), dbSNP rs983725326, ClinGen allele CA307653945.

ClinVar aggregate classification (germline): Uncertain significance. Review status: criteria provided, multiple submitters, no conflicts (2 of 4 stars). 4 submissions from 4 submitters: Uncertain significance (4). Last evaluated 2025-10-03.

Conditions:
Hemolytic anemia due to glucophosphate isomerase deficiency (CNSHA4). Also called: ANEMIA, CONGENITAL, NONSPHEROCYTIC HEMOLYTIC, 4. Identifiers: Orphanet 712, MedGen C0272064, MONDO:0013275, OMIM 613470.

Allele frequency attached by ClinVar (database versions not stated): gnomAD 0.00001; TOPMed 0.00002.

Submissions (4):

3billion
Classification: Uncertain significance for Hemolytic anemia due to glucophosphate isomerase deficiency. Last evaluated: 2025-10-03. Review status: criteria provided, single submitter. Criteria: ACMG Guidelines, 2015. Collection method: clinical testing. Allele origin: germline. Affected: yes.
Comment: The variant is observed at an extremely low frequency in the gnomAD v4.1.0 dataset (total allele frequency: <0.001%). Predicted Consequence/Location: Missense variant In silico tool predictions suggest damaging effect of the variant on gene or gene product [REVEL: 0.60 (>=0.6, sensitivity 0.68 and specificity 0.92)]. The same nucleotide change resulting in the same amino acid change has been previously reported to be associated with GPI-related disorder (PMID: 7989588). However, the evidence of pathogenicity is insufficient at this time. Therefore, this variant is classified as VUS according to the recommendation of ACMG/AMP guideline.

Revvity Omics, Revvity
Classification: Uncertain significance for Hemolytic anemia due to glucophosphate isomerase deficiency. Last evaluated: 2024-04-15. Review status: criteria provided, single submitter. Criteria: ACMG Guidelines, 2015. Collection method: clinical testing. Allele origin: germline.

Mayo Clinic Laboratories, Mayo Clinic
Classification: Uncertain significance. Last evaluated: 2022-05-11. Review status: criteria provided, single submitter. Criteria: ACMG Guidelines, 2015. Collection method: clinical testing. Allele origin: germline. Observed: 1 variant allele.
Comment: PM2, PM3_supporting

Labcorp Genetics (formerly Invitae), Labcorp
Classification: Uncertain significance. Last evaluated: 2020-02-03. Review status: criteria provided, single submitter. Criteria: Invitae Variant Classification Sherloc (09022015). Collection method: clinical testing. Allele origin: germline.
Comment: This variant has been reported to affect GPI protein function (PMID: 7989588, 19064002). This variant has been observed in individual(s) with clinical features of hemolytic anemia (PMID: 7989588). This variant is not present in population databases (ExAC no frequency). This sequence change replaces arginine with tryptophan at codon 83 of the GPI protein (p.Arg83Trp). The arginine residue is weakly conserved and there is a moderate physicochemical difference between arginine and tryptophan. In summary, the available evidence is currently insufficient to determine the role of this variant in disease. Therefore, it has been classified as a Variant of Uncertain Significance.

Literature cited by the submitters: PubMed 7989588 (cited by 3billion and Labcorp Genetics (formerly Invitae), Labcorp); PubMed 19064002 (cited by Labcorp Genetics (formerly Invitae), Labcorp).